The following is an entry in ClinVar:

ClinVar aggregate classification (germline): Uncertain significance. Review status: criteria provided, single submitter (1 of 4 stars). 2 submissions from 2 submitters: Uncertain significance (1). 1 of the submissions does not count toward it. Last evaluated 2022-06-27.

Conditions:
KIAA0586-related disorder. Also called: KIAA0586-related condition; KIAA0586- Related disorders.
Short-rib thoracic dysplasia 14 with polydactyly (SRTD14). Identifiers: Orphanet 397715, MedGen C4225286, MONDO:0014688, OMIM 616546.
Joubert syndrome 23 (JBTS23). Identifiers: Orphanet 475, MedGen C4084822, MONDO:0014664, OMIM 616490.

Allele frequency attached by ClinVar (database versions not stated): gnomAD exomes 0.00002 and 0.00006; gnomAD 0.00003; TOPMed 0.00003; ExAC 0.00006; ESP Exome Variant Server 0.00017.
gnomAD v4.1: 34 of 1,613,384 alleles (0.0021%); highest among the groups gnomAD compares: East Asian, 0.045%; no homozygotes.

Submissions (2):

Labcorp Genetics (formerly Invitae), Labcorp
Classification: Uncertain significance for Joubert syndrome 23; Short-rib thoracic dysplasia 14 with polydactyly. Last evaluated: 2022-06-27. Review status: criteria provided, single submitter. Criteria: Invitae Variant Classification Sherloc (09022015). Collection method: clinical testing. Allele origin: germline.
Comment: This sequence change replaces arginine, which is basic and polar, with glutamine, which is neutral and polar, at codon 838 of the KIAA0586 protein (p.Arg838Gln). This variant is present in population databases (rs372212501, gnomAD 0.05%). This variant has not been reported in the literature in individuals affected with KIAA0586-related conditions. Algorithms developed to predict the effect of missense changes on protein structure and function output the following: SIFT: "Tolerated"; PolyPhen-2: "Benign"; Align-GVGD: "Class C0". The glutamine amino acid residue is found in multiple mammalian species, which suggests that this missense change does not adversely affect protein function. In summary, the available evidence is currently insufficient to determine the role of this variant in disease. Therefore, it has been classified as a Variant of Uncertain Significance.

PreventionGenetics, part of Exact Sciences
Classification: Uncertain significance for KIAA0586-related condition. Last evaluated: 2024-09-03. Review status: no assertion criteria provided. Collection method: clinical testing. Allele origin: germline. Not counted in ClinVar's aggregate classification.
Comment: The KIAA0586 c.2513G>A variant is predicted to result in the amino acid substitution p.Arg838Gln. To our knowledge, this variant has not been reported in the literature. This variant is reported in 0.046% of alleles in individuals of East Asian descent in gnomAD. At this time, the clinical significance of this variant is uncertain due to the absence of conclusive functional and genetic evidence.

NM_001329943.3(KIAA0586):c.2354G>A (p.Arg785Gln)

Gene: KIAA0586 (KIAA0586; plus strand). Cytogenetic location: 14q23.1.
Variant type: single nucleotide variant.
Coding change: c.2354G>A on transcript NM_001329943.3 (MANE Select); coding-DNA position 2354, G replaced by A.
Protein change: p.Arg785Gln; replaces arginine 785 with glutamine.
Molecular consequence: missense variant.
Genome position (GRCh38, 1-based): chr14:58,467,834, G>A. VCF-style: chr14-58467834-G-A. GRCh37 (hg19) VCF-style: chr14-58934552-G-A.
Other names: c.2513G>A, p.Arg838Gln (NM_001244189.2); c.2309G>A, p.Arg770Gln (NM_001244190.2); c.2099G>A, p.Arg700Gln (NM_001244191.2, NM_001329945.2, NM_001364700.1 and 1 more transcripts); c.2222G>A, p.Arg741Gln (NM_001244192.2); c.1934G>A, p.Arg645Gln (NM_001244193.2); c.2354G>A, p.Arg785Gln (NM_001329944.2, NM_001329946.2, NM_001329947.2); c.2126G>A, p.Arg709Gln (NM_014749.5); c.2513G>A (NM_001244189.1); short protein forms R785Q, R709Q, R770Q, R838Q, R645Q, R700Q, R741Q.
Identifiers: ClinVar variation 1444270 (VCV001444270.4), dbSNP rs372212501, ClinGen allele CA7205848.